The following is an entry in ClinVar:

NM_000094.4(COL7A1):c.7513G>A (p.Gly2505Arg)

Gene: COL7A1 (collagen type VII alpha 1 chain; minus strand). Cytogenetic location: 3p21.31.
Variant type: single nucleotide variant.
Coding change: c.7513G>A on transcript NM_000094.4 (MANE Select); coding-DNA position 7513, G replaced by A.
Protein change: p.Gly2505Arg; replaces glycine 2505 with arginine.
Molecular consequence: missense variant.
Genome position (GRCh38, 1-based): chr3:48,569,888, C>T on the plus strand (G>A on the coding strand, the complement: COL7A1 is on the minus strand). VCF-style: chr3-48569888-C-T. GRCh37 (hg19) VCF-style: chr3-48607321-C-T.
Other names: short protein forms G2505R.
Identifiers: ClinVar variation 3635668 (VCV003635668.2).

ClinVar aggregate classification (germline): Uncertain significance (1 of 4 stars; one submission).

Submission:

Labcorp Genetics (formerly Invitae), Labcorp
Classification: Uncertain significance. Last evaluated: 2024-06-01. Review status: criteria provided, single submitter. Criteria: Invitae Variant Classification Sherloc (09022015). Collection method: clinical testing. Allele origin: germline.
Comment: This sequence change replaces glycine, which is neutral and non-polar, with arginine, which is basic and polar, at codon 2505 of the COL7A1 protein (p.Gly2505Arg). This variant is not present in population databases (gnomAD no frequency). This variant has not been reported in the literature in individuals affected with COL7A1-related conditions. Advanced modeling of protein sequence and biophysical properties (such as structural, functional, and spatial information, amino acid conservation, physicochemical variation, residue mobility, and thermodynamic stability) performed at Invitae indicates that this missense variant is expected to disrupt COL7A1 protein function with a positive predictive value of 95%. This variant disrupts the triple helix domain of COL7A1. Glycine residues within the Gly-Xaa-Yaa repeats of the triple helix domain are required for the structure and stability of fibrillar collagens (PMID: 7695699, 8218237, 19344236), and variants at these glycine residues in COL7A1 are more frequently observed in individuals with disease than in the general population (PMID: 22058051). However, the clinical significance of this observation remains uncertain since only a limited number of affected individuals have been described to date. In summary, the available evidence is currently insufficient to determine the role of this variant in disease. Therefore, it has been classified as a Variant of Uncertain Significance.

Literature cited by the submitters: PubMed 7695699; PubMed 8218237; PubMed 19344236; PubMed 22058051.